The following is an entry in ClinVar:

ClinVar aggregate classification (germline): Uncertain significance. Review status: criteria provided, multiple submitters, no conflicts (2 of 4 stars). 2 submissions from 2 submitters: Uncertain significance (2). Last evaluated 2025-05-04.

Allele frequency attached by ClinVar (database versions not stated): ExAC 0.00001; gnomAD exomes 0.00002 and 0.00003; gnomAD 0.00003 and 0.00004; TOPMed 0.00006; ESP Exome Variant Server 0.00031.
gnomAD v4.1: 38 of 1,613,676 alleles (0.0024%); highest among the groups gnomAD compares: Non-Finnish European, 0.0031%; no homozygotes.

Submissions (2):

Ambry Genetics
Classification: Uncertain significance. Last evaluated: 2025-05-04. Review status: criteria provided, single submitter. Criteria: Ambry Variant Classification Scheme 2023. Collection method: clinical testing. Allele origin: germline.

Labcorp Genetics (formerly Invitae), Labcorp
Classification: Uncertain significance. Last evaluated: 2023-07-25. Review status: criteria provided, single submitter. Criteria: Invitae Variant Classification Sherloc (09022015). Collection method: clinical testing. Allele origin: germline.
Comment: An algorithm developed to predict the effect of missense changes on protein structure and function (PolyPhen-2) suggests that this variant is likely to be tolerated. In summary, the available evidence is currently insufficient to determine the role of this variant in disease. Therefore, it has been classified as a Variant of Uncertain Significance. ClinVar contains an entry for this variant (Variation ID: 1397600). This variant is present in population databases (rs141065715, gnomAD 0.006%). This variant has not been reported in the literature in individuals affected with HMCN1-related conditions. This sequence change replaces aspartic acid, which is acidic and polar, with glutamic acid, which is acidic and polar, at codon 3460 of the HMCN1 protein (p.Asp3460Glu).

NM_031935.3(HMCN1):c.10380T>G (p.Asp3460Glu)

Gene: HMCN1 (hemicentin 1; plus strand). Cytogenetic location: 1q31.1.
Variant type: single nucleotide variant.
Coding change: c.10380T>G on transcript NM_031935.3 (MANE Select); coding-DNA position 10380, T replaced by G.
Protein change: p.Asp3460Glu; replaces aspartic acid 3460 with glutamic acid.
Molecular consequence: missense variant.
Genome position (GRCh38, 1-based): chr1:186,095,328, T>G. VCF-style: chr1-186095328-T-G. GRCh37 (hg19) VCF-style: chr1-186064460-T-G.
Other names: c.10380T>G (NM_031935.2); short protein forms D3460E.
Identifiers: ClinVar variation 1397600 (VCV001397600.8), dbSNP rs141065715, ClinGen allele CA1293713.